The following is an entry in ClinVar:

NM_182961.4(SYNE1):c.4029G>C (p.Glu1343Asp)

Gene: SYNE1 (spectrin repeat containing nuclear envelope protein 1; minus strand). Cytogenetic location: 6q25.2.
Variant type: single nucleotide variant.
Coding change: c.4029G>C on transcript NM_182961.4 (MANE Select); coding-DNA position 4029, G replaced by C.
Protein change: p.Glu1343Asp; replaces glutamic acid 1343 with aspartic acid.
Molecular consequence: missense variant.
Genome position (GRCh38, 1-based): chr6:152,441,250, C>G on the plus strand (G>C on the coding strand, the complement: SYNE1 is on the minus strand). VCF-style: chr6-152441250-C-G. GRCh37 (hg19) VCF-style: chr6-152762385-C-G.
Other names: c.4050G>C, p.Glu1350Asp (NM_033071.5); short protein forms E1343D, E1350D.
Identifiers: ClinVar variation 4881161 (VCV004881161.2).

ClinVar aggregate classification (germline): Uncertain significance (1 of 4 stars; one submission).

gnomAD v4.1: 7 of 1,608,838 alleles (0.00044%); highest among the groups gnomAD compares: Non-Finnish European, 0.00059%; no homozygotes.

Submission:

Dasa
Classification: Uncertain significance. Last evaluated: 2025-09-19. Review status: criteria provided, single submitter. Criteria: DASA Assertion Criteria. Collection method: clinical testing. Allele origin: germline.
Comment: NM_182961.4(SYNE1):c.4029G>C (p.Glu1343Asp) is a missense variant that results in the substitution of glutamic acid with aspartic acid. This variant is rare in population databases. The currently available literature and clinical evidence are not sufficient to establish a definitive association between this variant and the reported condition. Therefore, this variant is classified as a variant of uncertain significance.